The following is an entry in ClinVar:

NM_000059.4(BRCA2):c.2875G>A (p.Val959Ile)

Gene: BRCA2 (BRCA2 DNA repair associated; plus strand). Cytogenetic location: 13q13.1.
Variant type: single nucleotide variant.
Coding change: c.2875G>A on transcript NM_000059.4 (MANE Select); coding-DNA position 2875, G replaced by A.
Protein change: p.Val959Ile; replaces valine 959 with isoleucine.
Molecular consequence: missense variant.
Genome position (GRCh38, 1-based): chr13:32,337,230, G>A. VCF-style: chr13-32337230-G-A. GRCh37 (hg19) VCF-style: chr13-32911367-G-A.
Other names: short protein forms V959I.
Identifiers: ClinVar variation 433773 (VCV000433773.17), dbSNP rs1555282921, ClinGen allele CA387774046.

ClinVar aggregate classification (germline): Conflicting classifications of pathogenicity. Review status: criteria provided, conflicting classifications (1 of 4 stars). 6 submissions from 6 submitters: Uncertain significance (3); Likely benign (2). 1 of the submissions does not count toward it. Last evaluated 2025-07-27.

Conditions:
Breast-ovarian cancer, familial, susceptibility to, 2 (BROVCA2). Also called: BRCA2 Hereditary Breast and Ovarian Cancer. Identifiers: Orphanet 145, MedGen C2675520, MONDO:0012933, OMIM 612555. Disease mechanism: loss of function.
BRCA2-related cancer predisposition. Identifiers: MedGen CN377758, MONDO:0700269.
Hereditary cancer-predisposing syndrome. Also called: Hereditary neoplastic syndrome; Tumor predisposition; Neoplastic Syndromes, Hereditary; Hereditary Cancer Syndrome. Identifiers: Orphanet 140162, MedGen C0027672, MeSH D009386, MONDO:0015356.
Hereditary breast ovarian cancer syndrome. Also called: BRCA1- and BRCA2-Associated Hereditary Breast and Ovarian Cancer; Hereditary breast and/or ovarian cancer syndrome; Hereditary breast and ovarian cancer; Hereditary breast and ovarian cancer syndrome; Hereditary breast and ovarian cancer syndrome (HBOC); Breast and ovarian cancer. Identifiers: Orphanet 145, MedGen C0677776, MeSH D061325, MONDO:0003582. Disease mechanism: loss of function.

Allele frequency attached by ClinVar (database versions not stated): gnomAD exomes below 0.00001.
gnomAD v4.1: 4 of 1,612,492 alleles (0.00025%); highest among the groups gnomAD compares: Non-Finnish European, 0.00034%; no homozygotes.

Submissions (6):

Labcorp Genetics (formerly Invitae), Labcorp
Classification: Uncertain significance for Hereditary breast ovarian cancer syndrome. Last evaluated: 2025-07-27. Review status: criteria provided, single submitter. Criteria: Invitae Variant Classification Sherloc (09022015). Collection method: clinical testing. Allele origin: germline.
Comment: This sequence change replaces valine, which is neutral and non-polar, with isoleucine, which is neutral and non-polar, at codon 959 of the BRCA2 protein (p.Val959Ile). This variant is not present in population databases (gnomAD no frequency). This missense change has been observed in individual(s) with clinical features of BRCA2-related conditions (PMID: 34326862). ClinVar contains an entry for this variant (Variation ID: 433773). Invitae Evidence Modeling of protein sequence and biophysical properties (such as structural, functional, and spatial information, amino acid conservation, physicochemical variation, residue mobility, and thermodynamic stability) indicates that this missense variant is not expected to disrupt BRCA2 protein function with a negative predictive value of 95%. In summary, the available evidence is currently insufficient to determine the role of this variant in disease. Therefore, it has been classified as a Variant of Uncertain Significance.

All of Us Research Program, National Institutes of Health
Classification: Uncertain significance for BRCA2-related cancer predisposition. Last evaluated: 2024-09-23. Review status: criteria provided, single submitter. Criteria: ACMG Guidelines, 2015. Collection method: clinical testing. Allele origin: germline. Inheritance: Autosomal dominant inheritance. Observed: 1 variant allele, 1 heterozygote.
Comment: This study involves interpretation of variants in research participants for the purpose of population health screening. Participant phenotype was not available at the time of variant classification. Additional details can be found in publication PMID: 35346344, PMCID: PMC8962531

University of Washington Department of Laboratory Medicine, University of Washington
Classification: Likely benign for Hereditary cancer-predisposing syndrome. Last evaluated: 2023-03-23. Review status: criteria provided, single submitter. Criteria: Dines et al. (Genet Med. 2020). Collection method: curation. Allele origin: germline.
Comment: Missense variant in a coldspot region where missense variants are very unlikely to be pathogenic (PMID:31911673).

BRCA2 exon 11 coldspot. Reclassification based on statistical prior probability.

Ambry Genetics
Classification: Likely benign for Hereditary cancer-predisposing syndrome. Last evaluated: 2021-12-22. Review status: criteria provided, single submitter. Criteria: Ambry Variant Classification Scheme 2023. Collection method: clinical testing. Allele origin: germline.

Color Diagnostics, LLC DBA Color Health
Classification: Uncertain significance for Hereditary cancer-predisposing syndrome. Last evaluated: 2019-04-28. Review status: criteria provided, single submitter. Criteria: ACMG Guidelines, 2015. Collection method: clinical testing. Allele origin: germline.

Department of Pathology and Laboratory Medicine, Sinai Health System
Classification: Likely benign for Breast-ovarian cancer, familial, susceptibility to, 2. Review status: no assertion criteria provided. Collection method: clinical testing. Allele origin: unknown. Affected: yes. Study: The Canadian Open Genetics Repository (COGR). Not counted in ClinVar's aggregate classification.
Comment: The BRCA2 p.Val959Ile variant was not identified in the literature nor was it identified in the dbSNP, NHLBI Exome Sequencing Project (Exome Variant Server), HGMD, LOVD, COSMIC, UMD, ClinVar, or BIC databases. The p.Val959 residue is not conserved in mammals and the variant amino acid Ile is present in mouse, rat, cat, and dog, increasing the likelihood that this variant does not have clinical significance. In addition, computational analyses (PolyPhen-2, SIFT, AlignGVGD, BLOSUM, MutationTaster) do not suggest a high likelihood of impact to the protein. However, this information is not predictive enough to rule out pathogenicity. In summary, based on the above information, the clinical significance of this variant cannot be determined with certainty at this time although we would lean towards a more benign role for this variant. This variant is classified as predicted benign.

Literature cited by the submitters: PubMed 34326862 (cited by Labcorp Genetics (formerly Invitae), Labcorp).